The following is an entry in ClinVar:

NM_173551.5(ANKS6):c.778A>G (p.Thr260Ala)

Gene: ANKS6 (ankyrin repeat and sterile alpha motif domain containing 6; minus strand). Cytogenetic location: 9q22.33.
Variant type: single nucleotide variant.
Coding change: c.778A>G on transcript NM_173551.5 (MANE Select); coding-DNA position 778, A replaced by G.
Protein change: p.Thr260Ala; replaces threonine 260 with alanine.
Molecular consequence: missense variant.
Genome position (GRCh38, 1-based): chr9:98,790,188, T>C on the plus strand (A>G on the coding strand, the complement: ANKS6 is on the minus strand). VCF-style: chr9-98790188-T-C. GRCh37 (hg19) VCF-style: chr9-101552470-T-C.
Other names: c.778A>G (NM_173551.4); short protein forms T260A.
Identifiers: ClinVar variation 3596092 (VCV003596092.2).

ClinVar aggregate classification (germline): Uncertain significance. Review status: criteria provided, multiple submitters, no conflicts (2 of 4 stars). 2 submissions from 2 submitters: Uncertain significance (2). Last evaluated 2026-05-15.

Conditions:
ANKS6-related disorder. Also called: ANKS6-related condition.
Nephronophthisis 16 (NPHP16). Identifiers: Orphanet 655, MedGen C3809320, MONDO:0014158, OMIM 615382.

gnomAD v4.1: 4 of 1,602,604 alleles (0.00025%); highest among the groups gnomAD compares: South Asian, 0.0022%; no homozygotes.

Submissions (2):

PreventionGenetics, part of Exact Sciences
Classification: Uncertain significance for ANKS6-related condition. Last evaluated: 2026-05-15. Review status: criteria provided, single submitter. Criteria: ACMG Guidelines, 2015. Collection method: clinical testing. Allele origin: germline.
Comment: The ANKS6 c.778A>G variant is predicted to result in the amino acid substitution p.Thr260Ala. To our knowledge, this variant has not been reported in the literature. This variant is reported in 0.0066% of alleles in individuals of South Asian descent in gnomAD. At this time, the clinical significance of this variant is uncertain due to the absence of conclusive functional and genetic evidence.

Fulgent Genetics
Classification: Uncertain significance for Nephronophthisis 16. Last evaluated: 2024-01-31. Review status: criteria provided, single submitter. Criteria: ACMG Guidelines, 2015. Collection method: clinical testing. Allele origin: germline.